The following is an entry in ClinVar:

NM_020911.2(PLXNA4):c.2490C>T (p.Gly830=)

Gene: PLXNA4 (plexin A4; minus strand). Cytogenetic location: 7q32.3.
Variant type: single nucleotide variant.
Coding change: c.2490C>T on transcript NM_020911.2 (MANE Select); coding-DNA position 2490, C replaced by T.
Protein change: p.Gly830=; no amino-acid change (glycine 830 retained).
Molecular consequence: synonymous variant.
Genome position (GRCh38, 1-based): chr7:132,202,742, G>A on the plus strand (C>T on the coding strand, the complement: PLXNA4 is on the minus strand). VCF-style: chr7-132202742-G-A. GRCh37 (hg19) VCF-style: chr7-131887501-G-A.
Other names: c.2490C>T, p.Gly830= (NM_001393897.1).
Identifiers: ClinVar variation 4980767 (VCV004980767.1).

ClinVar aggregate classification (germline): Uncertain significance (1 of 4 stars; one submission).

Conditions:
PLXNA4-related disorder. Also called: PLXNA4-related condition.

gnomAD v4.1: 56 of 1,611,624 alleles (0.0035%); highest among the groups gnomAD compares: Non-Finnish European, 0.0045%; no homozygotes.

Submission:

PreventionGenetics, part of Exact Sciences
Classification: Uncertain significance for PLXNA4-related condition. Last evaluated: 2026-09-02. Review status: criteria provided, single submitter. Criteria: ACMG Guidelines, 2015. Collection method: clinical testing. Allele origin: germline.
Comment: The PLXNA4 c.2490C>T variant is not predicted to result in an amino acid change (p.=). This variant is predicted to alter splicing based on available splicing prediction programs (SpliceAI, Jaganathan et al. 2019. PubMed ID: 30661751). However, the use of computer prediction programs is not equivalent to functional evidence. To our knowledge, this variant has not been reported in the literature. This variant is reported in 0.0079% of alleles in individuals of European (Non-Finnish) descent in gnomAD. At this time, the clinical significance of this variant is uncertain due to the absence of conclusive functional and genetic evidence.